The following is an entry in ClinVar:

NM_015046.7(SETX):c.3989C>A (p.Ser1330Tyr)

Gene: SETX (senataxin; minus strand). Cytogenetic location: 9q34.13.
Variant type: single nucleotide variant.
Coding change: c.3989C>A on transcript NM_015046.7 (MANE Select); coding-DNA position 3989, C replaced by A.
Protein change: p.Ser1330Tyr; replaces serine 1330 with tyrosine.
Molecular consequence: missense variant.
Genome position (GRCh38, 1-based): chr9:132,327,609, G>T on the plus strand (C>A on the coding strand, the complement: SETX is on the minus strand). VCF-style: chr9-132327609-G-T. GRCh37 (hg19) VCF-style: chr9-135202996-G-T.
Other names: c.3989C>A, p.Ser1330Tyr (NM_001351527.2, NM_001351528.2); short protein forms S1330Y.
Identifiers: ClinVar variation 4793137 (VCV004793137.1).

ClinVar aggregate classification (germline): Uncertain significance (1 of 4 stars; one submission).

Conditions:
Spinocerebellar ataxia, autosomal recessive, with axonal neuropathy 2 (SCAN2). Also called: Ataxia-ocular apraxia-2; Ataxia with Oculomotor Apraxia Type 2; Ataxia with Oculomotor Apraxia; ATAXIA-OCULOMOTOR APRAXIA 2. Identifiers: Orphanet 64753, MedGen C1853761, MONDO:0018996, OMIM 606002.
Amyotrophic lateral sclerosis type 4 (ALS4). Also called: NEURONOPATHY, DISTAL HEREDITARY MOTOR, WITH PYRAMIDAL FEATURES; AMYOTROPHIC LATERAL SCLEROSIS 4, JUVENILE. Identifiers: Orphanet 357043, MedGen C1865409, MONDO:0011223, OMIM 602433.

Submission:

Labcorp Genetics (formerly Invitae), Labcorp
Classification: Uncertain significance for Amyotrophic lateral sclerosis type 4; Spinocerebellar ataxia, autosomal recessive, with axonal neuropathy 2. Last evaluated: 2025-12-09. Review status: criteria provided, single submitter. Criteria: Invitae Variant Classification Sherloc (09022015). Collection method: clinical testing. Allele origin: germline.
Comment: This sequence change replaces serine, which is neutral and polar, with tyrosine, which is neutral and polar, at codon 1330 of the SETX protein (p.Ser1330Tyr). This variant is not present in population databases (gnomAD no frequency). This variant has not been reported in the literature in individuals affected with SETX-related conditions. Invitae Evidence Modeling of protein sequence and biophysical properties (such as structural, functional, and spatial information, amino acid conservation, physicochemical variation, residue mobility, and thermodynamic stability) indicates that this missense variant is not expected to disrupt SETX protein function with a negative predictive value of 95%. In summary, the available evidence is currently insufficient to determine the role of this variant in disease. Therefore, it has been classified as a Variant of Uncertain Significance.